The following is an entry in ClinVar:

ClinVar aggregate classification (germline): Uncertain significance (1 of 4 stars; one submission).

Conditions:
Inborn genetic diseases. Identifiers: MedGen C0950123, MeSH D030342.

Allele frequency attached by ClinVar (database versions not stated): gnomAD exomes below 0.00001.
gnomAD v4.1: 4 of 1,614,118 alleles (0.00025%); highest among the groups gnomAD compares: South Asian, 0.0011%; no homozygotes.

Submission:

Ambry Genetics
Classification: Uncertain significance for Inborn genetic diseases. Last evaluated: 2025-08-25. Review status: criteria provided, single submitter. Criteria: Ambry Variant Classification Scheme 2023. Collection method: clinical testing. Allele origin: germline.
Comment: The p.A559V variant (also known as c.1676C>T), located in coding exon 14 of the BUB1B gene, results from a C to T substitution at nucleotide position 1676. The alanine at codon 559 is replaced by valine, an amino acid with similar properties. This amino acid position is conserved. In addition, this alteration is predicted to be tolerated by in silico analysis. Since supporting evidence is limited at this time, the clinical significance of this alteration remains unclear.

NM_001211.6(BUB1B):c.1676C>T (p.Ala559Val)

Gene: BUB1B (BUB1 mitotic checkpoint serine/threonine kinase B; plus strand). Cytogenetic location: 15q15.1.
Variant type: single nucleotide variant.
Coding change: c.1676C>T on transcript NM_001211.6 (MANE Select); coding-DNA position 1676, C replaced by T.
Protein change: p.Ala559Val; replaces alanine 559 with valine.
Molecular consequence: missense variant.
Genome position (GRCh38, 1-based): chr15:40,202,636, C>T. VCF-style: chr15-40202636-C-T. GRCh37 (hg19) VCF-style: chr15-40494837-C-T.
Other names: short protein forms A559V.
Identifiers: ClinVar variation 2624688 (VCV002624688.3), dbSNP rs2542559439, ClinGen allele CA391691626.